The following is an entry in ClinVar:

ClinVar aggregate classification (germline): Pathogenic/Likely pathogenic. Review status: criteria provided, multiple submitters, no conflicts (2 of 4 stars). 6 submissions from 6 submitters: Pathogenic (4); Likely pathogenic (1). 1 of the submissions does not count toward it. Last evaluated 2026-01-26.

Conditions:
ATP1A2-related disorder. Also called: ATP1A2-related condition; ATP1A2-RELATED DISORDERS.
Developmental and epileptic encephalopathy 98. Identifiers: MedGen C5562017, MONDO:0030472, OMIM 619605.
Alternating hemiplegia of childhood 1 (AHC1). Identifiers: Orphanet 2131, MedGen C3549447, MONDO:0007087, OMIM 104290.
Migraine, familial hemiplegic, 2. Identifiers: Orphanet 569, MedGen C1865322, MONDO:0011232, OMIM 602481.
Familial hemiplegic migraine. Identifiers: MedGen C0338484, MONDO:0000700.

Allele frequency attached by ClinVar (database versions not stated): gnomAD exomes below 0.00001; ExAC 0.00001; gnomAD 0.00001; 1000 Genomes Project 30x 0.00016; 1000 Genomes Project 0.00020.
gnomAD v4.1: 1 of 1,614,228 alleles (0.000062%); highest among the groups gnomAD compares: African/African-American, 0.0013%; no homozygotes.

Submissions (6):

GeneDx
Classification: Pathogenic. Last evaluated: 2026-01-26. Review status: criteria provided, single submitter. Criteria: GeneDx Variant Classification Process June 2021. Collection method: clinical testing. Allele origin: germline. Affected: yes.
Comment: Reported in an individual with post-traumatic hemiplegic migraine and another individual with dystonia in the published literature (PMID: 32345385, 31737037); Not observed at significant frequency in large population cohorts (gnomAD); In silico analysis supports that this missense variant has a deleterious effect on protein structure/function; This variant is associated with the following publications: (PMID: 33057194, 35982159, 33794876, 31737037, 35231114, 36749827, 37142513, 32345385)

Fulgent Genetics
Classification: Pathogenic for Developmental and epileptic encephalopathy 98. Last evaluated: 2025-04-22. Review status: criteria provided, single submitter. Criteria: ACMG Guidelines, 2015. Collection method: clinical testing. Allele origin: germline.
Comment: This variant has been observed in individuals with ATP1A2-related conditions (PubMed: 31737037, 32345385, 33794876, 35231114). In at least two individuals, the variant has been observed to be de novo (PubMed: 33794876, 35231114). The REVEL score suggests that the variant may deleteriously affect the original protein function.

Labcorp Genetics (formerly Invitae), Labcorp
Classification: Pathogenic for Familial hemiplegic migraine. Last evaluated: 2025-04-18. Review status: criteria provided, single submitter. Criteria: Invitae Variant Classification Sherloc (09022015). Collection method: clinical testing. Allele origin: germline.
Comment: This sequence change replaces alanine, which is neutral and non-polar, with threonine, which is neutral and polar, at codon 297 of the ATP1A2 protein (p.Ala297Thr). This variant is present in population databases (rs181618883, gnomAD 0.007%). This missense change has been observed in individual(s) with clinical features of ATP1A2-related conditions (PMID: 31737037; internal data). In at least one individual the variant was observed to be de novo. ClinVar contains an entry for this variant (Variation ID: 430293). Invitae Evidence Modeling of protein sequence and biophysical properties (such as structural, functional, and spatial information, amino acid conservation, physicochemical variation, residue mobility, and thermodynamic stability) indicates that this missense variant is expected to disrupt ATP1A2 protein function with a positive predictive value of 80%. For these reasons, this variant has been classified as Pathogenic.

Institute of Human Genetics, Clinical Exome/Genome Diagnostics Group, University Hospital Bonn
Classification: Likely pathogenic for Alternating hemiplegia of childhood 1. Last evaluated: 2024-02-05. Review status: criteria provided, single submitter. Criteria: ACMG Guidelines, 2015. Collection method: clinical testing. Allele origin: de novo. Affected: yes.

PreventionGenetics, part of Exact Sciences
Classification: Pathogenic for ATP1A2-related condition. Last evaluated: 2023-06-19. Review status: criteria provided, single submitter. Criteria: ACMG Guidelines, 2015. Collection method: clinical testing. Allele origin: germline.
Comment: The ATP1A2 c.889G>A variant is predicted to result in the amino acid substitution p.Ala297Thr. This variant was reported in an individual with dystonia (Table 1: Graziola et al 2019. PubMed ID: 31737037) and found in individuals with hemiplegia/alternating migraine of childhood (Cobb-Pitstick K et al 2020. PubMed ID: 32345385; reported as de novo in Huang D et al 2021. PubMed ID: 33794876; reported as de novo in Table S1: Duan J et al 2022. PubMed ID: 35231114). This variant is reported in a single individual of African descent (1/16,256 alleles; 0.0062%) in gnomAD. This variant is interpreted as pathogenic.

Geisinger Autism and Developmental Medicine Institute, Geisinger Health System
Classification: Uncertain significance for Migraine, familial hemiplegic, 2; Alternating hemiplegia of childhood 1. Last evaluated: 2017-05-26. Review status: flagged submission. Criteria: ACMG Guidelines, 2015. Collection method: provider interpretation, clinical testing. Allele origin: unknown. Observed: 1 variant allele. Not counted in ClinVar's aggregate classification.
Comment: Inheritance is unknown, as is paternal family history. The variant is absent from population databases. It is a non-conservative substitution that occurs at a position that is conserved across species. In silico analysis predicts that the variant is probably damaging to protein structure/function.
ClinVar note: Reason: Older and outlier claim with insufficient supporting evidence

Literature cited by the submitters: PubMed 31737037 (cited by Fulgent Genetics and Labcorp Genetics (formerly Invitae), Labcorp); PubMed 32345385 (cited by Fulgent Genetics); PubMed 33794876 (cited by Fulgent Genetics); PubMed 35231114 (cited by Fulgent Genetics); PubMed 12023326 (cited by Geisinger Autism and Developmental Medicine Institute, Geisinger Health System); PubMed 11439943 (cited by Geisinger Autism and Developmental Medicine Institute, Geisinger Health System); PubMed 20837964 (cited by Geisinger Autism and Developmental Medicine Institute, Geisinger Health System).

NM_000702.4(ATP1A2):c.889G>A (p.Ala297Thr)

Gene: ATP1A2 (ATPase Na+/K+ transporting subunit alpha 2; plus strand). Cytogenetic location: 1q23.2.
Variant type: single nucleotide variant.
Coding change: c.889G>A on transcript NM_000702.4 (MANE Select); coding-DNA position 889, G replaced by A.
Protein change: p.Ala297Thr; replaces alanine 297 with threonine.
Molecular consequence: missense variant.
Genome position (GRCh38, 1-based): chr1:160,127,692, G>A. VCF-style: chr1-160127692-G-A. GRCh37 (hg19) VCF-style: chr1-160097482-G-A.
Other names: short protein forms A297T.
Identifiers: ClinVar variation 430293 (VCV000430293.19), dbSNP rs181618883, ClinGen allele CA1194304.